The following is an entry in ClinVar:

ClinVar aggregate classification (germline): Uncertain significance (1 of 4 stars; one submission).

Conditions:
STT3B-congenital disorder of glycosylation. Also called: Congenital disorder of glycosylation type 1x; CDG Ix; STT3B-CDG. Identifiers: Orphanet 370924, MedGen C2931007, MONDO:0014271, OMIM 615597.

Allele frequency attached by ClinVar (database versions not stated): gnomAD 0.00001; gnomAD exomes 0.00001.
gnomAD v4.1: 13 of 1,611,286 alleles (0.00081%); highest among the groups gnomAD compares: African/African-American, 0.0013%; no homozygotes.

Submission:

Labcorp Genetics (formerly Invitae), Labcorp
Classification: Uncertain significance for STT3B-congenital disorder of glycosylation. Last evaluated: 2022-07-09. Review status: criteria provided, single submitter. Criteria: Invitae Variant Classification Sherloc (09022015). Collection method: clinical testing. Allele origin: germline.
Comment: In summary, the available evidence is currently insufficient to determine the role of this variant in disease. Therefore, it has been classified as a Variant of Uncertain Significance. Algorithms developed to predict the effect of missense changes on protein structure and function (SIFT, PolyPhen-2, Align-GVGD) all suggest that this variant is likely to be disruptive. This variant has not been reported in the literature in individuals affected with STT3B-related conditions. This variant is not present in population databases (gnomAD no frequency). This sequence change replaces arginine, which is basic and polar, with tryptophan, which is neutral and slightly polar, at codon 691 of the STT3B protein (p.Arg691Trp).

NM_178862.3(STT3B):c.2071C>T (p.Arg691Trp)

Gene: STT3B (STT3 oligosaccharyltransferase complex catalytic subunit B; plus strand). Cytogenetic location: 3p23.
Variant type: single nucleotide variant.
Coding change: c.2071C>T on transcript NM_178862.3 (MANE Select); coding-DNA position 2071, C replaced by T.
Protein change: p.Arg691Trp; replaces arginine 691 with tryptophan.
Molecular consequence: missense variant.
Genome position (GRCh38, 1-based): chr3:31,626,125, C>T. VCF-style: chr3-31626125-C-T. GRCh37 (hg19) VCF-style: chr3-31667617-C-T.
Other names: short protein forms R691W.
Identifiers: ClinVar variation 2015567 (VCV002015567.4), dbSNP rs770988640, ClinGen allele CA72518584.
Genomic context (GRCh38, chr3:31,626,125, plus strand): 5'-GATATCAACAAATTTCTCTGGATGGTTAGGATAGCTGAAGGAGAACATCCCAAAGACATT[C>T]GGGTAAGAAACTAGATAATTCCAGGTATGTGAAAGATAGCTCACTGTGTCCTCGTAATTC-3'
Protein context (NP_849193.1, residues 681-701): IAEGEHPKDI[Arg691Trp]ESDYFTPQGE